The following is an entry in ClinVar:

NM_001165963.4(SCN1A):c.4763G>A (p.Cys1588Tyr)

Genes: SCN1A (sodium voltage-gated channel alpha subunit 1; minus strand), LOC102724058 (uncharacterized LOC102724058; plus strand). Cytogenetic location: 2q24.3.
Variant type: single nucleotide variant.
Coding change: c.4763G>A on transcript NM_001165963.4 (MANE Select); coding-DNA position 4763, G replaced by A.
Protein change: p.Cys1588Tyr; replaces cysteine 1588 with tyrosine.
Molecular consequence: missense variant. On other transcripts: non-coding transcript variant (1).
Genome position (GRCh38, 1-based): chr2:165,994,235, C>T on the plus strand (G>A on the coding strand, the complement: SCN1A is on the minus strand). VCF-style: chr2-165994235-C-T. GRCh37 (hg19) VCF-style: chr2-166850745-C-T.
Other names: c.4679G>A, p.Cys1560Tyr (NM_001165964.3, NM_001353957.2, NM_001353958.2); c.4763G>A, p.Cys1588Tyr (NM_001202435.3, NM_001353948.2); c.4730G>A, p.Cys1577Tyr (NM_001353949.2, NM_001353950.2, NM_001353951.2 and 2 more transcripts); c.4727G>A, p.Cys1576Tyr (NM_001353954.2, NM_001353955.2); c.4676G>A, p.Cys1559Tyr (NM_001353960.2); c.2321G>A, p.Cys774Tyr (NM_001353961.2); short protein forms C1577Y, C1588Y, C1576Y, C774Y, C1559Y, C1560Y.
Identifiers: ClinVar variation 461276 (VCV000461276.12), dbSNP rs1553520982, ClinGen allele CA349071632.

ClinVar aggregate classification (germline): Pathogenic/Likely pathogenic. Review status: criteria provided, multiple submitters, no conflicts (2 of 4 stars). 3 submissions from 3 submitters: Pathogenic (1); Likely pathogenic (2). Last evaluated 2025-07-07.

Conditions:
Autosomal dominant SCN1A-related disorders.
Early-infantile DEE. Also called: Early infantile epileptic encephalopathy; Early infantile epileptic encephalopathy with suppression bursts; Ohtahara syndrome. Identifiers: Orphanet 1934, MedGen C0393706, MONDO:0800491.

Submissions (3):

Variantyx, Inc.
Classification: Likely pathogenic for Autosomal dominant SCN1A-related disorders. Last evaluated: 2025-07-07. Review status: criteria provided, single submitter. Criteria: Variantyx Assertion Criteria 2022. Collection method: clinical testing. Allele origin: germline. Inheritance: Autosomal dominant inheritance. Affected: yes.
Comment: This is a nonsynonymous variant in the SCN1A gene (OMIM: 182389). Pathogenic variants in this gene have been associated with autosomal dominant SCN1A-related disorders. This variant has been reported in at least 2 affected individuals (Variantyx)(PS4). An lternate amino acid change at this position (p.Cys1588Arg) has been previously reported in similarly affected individuals, which suggests that this residue is biologically important (PMID: 17561957, 25818041) (PM5), and multiple computational algorithms predict a deleterious effect for this variant (REVEL score: 0.93) (PP3). Inheritance from an unaffected or mildly affected parent has been reported for pathogenic variants in this gene, consistent with incomplete penetrance and variable expressivity (PMID: 20301494, 28202706). This variant is absent from control populations (PM2). Based on the current evidence, this variant is classified as likely pathogenic for autosomal dominant SCN1A-related disorders.

Labcorp Genetics (formerly Invitae), Labcorp
Classification: Pathogenic for Early-infantile DEE. Last evaluated: 2023-08-10. Review status: criteria provided, single submitter. Criteria: Invitae Variant Classification Sherloc (09022015). Collection method: clinical testing. Allele origin: germline.
Comment: This variant disrupts the p.Cys1588 amino acid residue in SCN1A. Other variant(s) that disrupt this residue have been determined to be pathogenic (PMID: 17561957, 25818041). This suggests that this residue is clinically significant, and that variants that disrupt this residue are likely to be disease-causing. Algorithms developed to predict the effect of sequence changes on RNA splicing suggest that this variant may create or strengthen a splice site. Advanced modeling of protein sequence and biophysical properties (such as structural, functional, and spatial information, amino acid conservation, physicochemical variation, residue mobility, and thermodynamic stability) performed at Invitae indicates that this missense variant is expected to disrupt SCN1A protein function. ClinVar contains an entry for this variant (Variation ID: 461276). This missense change has been observed in individuals with clinical features of SCN1A-related conditions (Invitae). This variant is not present in population databases (gnomAD no frequency). This sequence change replaces cysteine, which is neutral and slightly polar, with tyrosine, which is neutral and polar, at codon 1588 of the SCN1A protein (p.Cys1588Tyr). For these reasons, this variant has been classified as Pathogenic.

GeneDx
Classification: Likely pathogenic. Last evaluated: 2021-11-29. Review status: criteria provided, single submitter. Criteria: GeneDx Variant Classification Process June 2021. Collection method: clinical testing. Allele origin: germline. Affected: yes.
Comment: Not observed at significant frequency in large population cohorts (Lek et al., 2016); Missense variants in this gene are often considered pathogenic (Stenson et al., 2014); In silico analysis supports that this missense variant has a deleterious effect on protein structure/function; In silico analysis, which includes splice predictors and evolutionary conservation, suggests this variant may impact gene splicing. In the absence of RNA/functional studies, the actual effect of this sequence change is unknown.; This substitution is predicted to be within the transmembrane segment S2 of the fourth homologous domain; Has not been previously published as pathogenic or benign to our knowledge

Literature cited by the submitters: PubMed 17561957 (cited by Variantyx, Inc. and Labcorp Genetics (formerly Invitae), Labcorp); PubMed 25818041 (cited by Variantyx, Inc. and Labcorp Genetics (formerly Invitae), Labcorp).